The following is an entry in ClinVar:

NM_144988.4(ALG14):c.83C>A (p.Ser28Tyr)

Genes: ALG14 (ALG14 UDP-N-acetylglucosaminyltransferase subunit; minus strand), LOC129930989 (ATAC-STARR-seq lymphoblastoid active region 1353; plus strand). Cytogenetic location: 1p21.3.
Variant type: single nucleotide variant.
Coding change: c.83C>A on transcript NM_144988.4 (MANE Select); coding-DNA position 83, C replaced by A.
Protein change: p.Ser28Tyr; replaces serine 28 with tyrosine.
Molecular consequence: missense variant. On other transcripts: non-coding transcript variant (1).
Genome position (GRCh38, 1-based): chr1:95,072,816, G>T on the plus strand (C>A on the coding strand, the complement: ALG14 is on the minus strand). VCF-style: chr1-95072816-G-T. GRCh37 (hg19) VCF-style: chr1-95538372-G-T.
Other names: c.83C>A, p.Ser28Tyr (NM_001305242.2); short protein forms S28Y.
Identifiers: ClinVar variation 933844 (VCV000933844.7), dbSNP rs201827828, ClinGen allele CA961894.

ClinVar aggregate classification (germline): Conflicting classifications of pathogenicity. Review status: criteria provided, conflicting classifications (1 of 4 stars). 2 submissions from 2 submitters: Uncertain significance (1); Likely benign (1). Last evaluated 2025-07-22.

Conditions:
Congenital myasthenic syndrome 15. Also called: Myasthenic syndrome, congenital, 15, without tubular aggregates. Identifiers: Orphanet 353327, Orphanet 590, MedGen C4015596, MONDO:0014542, OMIM 616227.
Inborn genetic diseases. Identifiers: MedGen C0950123, MeSH D030342.

Allele frequency attached by ClinVar (database versions not stated): gnomAD exomes 0.00003 and 0.00010; gnomAD 0.00008 and 0.00011; ExAC 0.00011; TOPMed 0.00012; 1000 Genomes Project 30x 0.00016; 1000 Genomes Project 0.00020.
gnomAD v4.1: 57 of 1,614,150 alleles (0.0035%); highest among the groups gnomAD compares: Admixed American, 0.06%; no homozygotes.

Submissions (2):

Ambry Genetics
Classification: Likely benign for Inborn genetic diseases. Last evaluated: 2025-07-22. Review status: criteria provided, single submitter. Criteria: Ambry Variant Classification Scheme 2023. Collection method: clinical testing. Allele origin: germline.

Labcorp Genetics (formerly Invitae), Labcorp
Classification: Uncertain significance for Congenital myasthenic syndrome 15. Last evaluated: 2024-10-14. Review status: criteria provided, single submitter. Criteria: Invitae Variant Classification Sherloc (09022015). Collection method: clinical testing. Allele origin: germline.
Comment: This sequence change replaces serine, which is neutral and polar, with tyrosine, which is neutral and polar, at codon 28 of the ALG14 protein (p.Ser28Tyr). This variant is present in population databases (rs201827828, gnomAD 0.05%). This variant has not been reported in the literature in individuals affected with ALG14-related conditions. ClinVar contains an entry for this variant (Variation ID: 933844). An algorithm developed to predict the effect of missense changes on protein structure and function (PolyPhen-2) suggests that this variant¬†is likely to be tolerated. In summary, the available evidence is currently insufficient to determine the role of this variant in disease. Therefore, it has been classified as a Variant of Uncertain Significance.